The following is an entry in ClinVar:

NM_001379500.1(COL18A1):c.3297C>A (p.Asp1099Glu)

Genes: COL18A1 (collagen type XVIII alpha 1 chain; plus strand), SLC19A1 (solute carrier family 19 member 1; minus strand). Cytogenetic location: 21q22.3.
Variant type: single nucleotide variant.
Coding change: c.3297C>A on transcript NM_001379500.1 (MANE Select); coding-DNA position 3297, C replaced by A.
Protein change: p.Asp1099Glu; replaces aspartic acid 1099 with glutamic acid.
Molecular consequence: missense variant.
Genome position (GRCh38, 1-based): chr21:45,509,403, C>A. VCF-style: chr21-45509403-C-A. GRCh37 (hg19) VCF-style: chr21-46929317-C-A.
Other names: c.3828C>A, p.Asp1276Glu (NM_030582.4); c.4533C>A, p.Asp1511Glu (NM_130444.3); short protein forms D1099E, D1511E, D1276E.
Identifiers: ClinVar variation 1485402 (VCV001485402.4), dbSNP rs980891387, ClinGen allele CA321923380.

ClinVar aggregate classification (germline): Uncertain significance (1 of 4 stars; one submission).

Allele frequency attached by ClinVar (database versions not stated): TOPMed below 0.00001; gnomAD exomes 0.00001.
gnomAD v4.1: 5 of 1,543,192 alleles (0.00032%); highest among the groups gnomAD compares: East Asian, 0.0097%; no homozygotes.

Submission:

Labcorp Genetics (formerly Invitae), Labcorp
Classification: Uncertain significance. Last evaluated: 2021-09-03. Review status: criteria provided, single submitter. Criteria: Invitae Variant Classification Sherloc (09022015). Collection method: clinical testing. Allele origin: germline.
Comment: In summary, the available evidence is currently insufficient to determine the role of this variant in disease. Therefore, it has been classified as a Variant of Uncertain Significance. Experimental studies and prediction algorithms are not available or were not evaluated, and the functional significance of this variant is currently unknown. This variant has not been reported in the literature in individuals affected with COL18A1-related conditions. The frequency data for this variant in the population databases is considered unreliable, as metrics indicate insufficient coverage at this position in the ExAC database. This sequence change replaces aspartic acid with glutamic acid at codon 1096 of the COL18A1 protein (p.Asp1096Glu). There is a small physicochemical difference between aspartic acid and glutamic acid.